The following is an entry in ClinVar:

NM_001374828.1(ARID1B):c.5218C>T (p.Gln1740Ter)

Gene: ARID1B (AT-rich interaction domain 1B; plus strand). Cytogenetic location: 6q25.3.
Variant type: single nucleotide variant.
Coding change: c.5218C>T on transcript NM_001374828.1 (MANE Select); coding-DNA position 5218, C replaced by T.
Protein change: p.Gln1740Ter; replaces glutamine 1740 with a stop codon.
Molecular consequence: nonsense.
Genome position (GRCh38, 1-based): chr6:157,201,443, C>T. VCF-style: chr6-157201443-C-T. GRCh37 (hg19) VCF-style: chr6-157522577-C-T.
Other names: c.2719C>T, p.Gln907Ter (NM_001363725.2); c.5098C>T, p.Gln1700Ter (NM_001371656.1, NM_001374820.1); c.5059C>T, p.Gln1687Ter (NM_017519.3); c.4849C>T (NM_020732.3); c.4969C>T (NM_001346813.1); short protein forms Q1687*, Q1700*, Q1740*, Q907*.
Identifiers: ClinVar variation 1320276 (VCV001320276.3), dbSNP rs1554236027, ClinGen allele CA366243111.

ClinVar aggregate classification (germline): Pathogenic. Review status: criteria provided, multiple submitters, no conflicts (2 of 4 stars). 3 submissions from 3 submitters: Pathogenic (3). Last evaluated 2024-09-18.

Conditions:
Coffin-Siris syndrome 1 (CSS1). Also called: Mental retardation, autosomal dominant 12; ARID1B-Related Coffin-Siris Syndrome. Identifiers: Orphanet 1465, MedGen C3281201, MONDO:0007617, OMIM 135900. Disease mechanism: gain of function.

Submissions (3):

Greenwood Genetic Center Diagnostic Laboratories, Greenwood Genetic Center
Classification: Pathogenic for Coffin-Siris syndrome 1. Last evaluated: 2024-09-18. Review status: criteria provided, single submitter. Criteria: ACMG Guidelines, 2015. Collection method: clinical testing. Allele origin: germline. Affected: yes.
Comment: PVS1, PS2, PM2, PM6

GeneDx
Classification: Pathogenic. Last evaluated: 2023-12-22. Review status: criteria provided, single submitter. Criteria: GeneDx Variant Classification Process June 2021. Collection method: clinical testing. Allele origin: germline. Affected: yes.
Comment: Nonsense variant predicted to result in protein truncation or nonsense mediated decay in a gene for which loss of function is a known mechanism of disease; Not observed at significant frequency in large population cohorts (gnomAD); This variant is associated with the following publications: (PMID: 34706719, 32901917)

3billion
Classification: Pathogenic for Coffin-Siris syndrome 1. Last evaluated: 2021-10-02. Review status: criteria provided, single submitter. Criteria: ACMG Guidelines, 2015. Collection method: clinical testing. Allele origin: germline. Affected: yes. Observed: 1 heterozygote.
Comment: Stop-gained (nonsense): predicted to result in a loss or disruption of normal protein function through nonsense-mediated decay (NMD) or protein truncation. Multiple pathogenic variants are reported downstream of the variant (PVS1_VS). It is not observed in the gnomAD v2.1.1 dataset (PM2). The variant was observed as assumed (i.e. paternity and maternity not confirmed) de novoo (3billion dataset, PM6). Patient's phenotype is considered compatible with Coffin-Siris Syndrome 1 (3billion dataset, PP4). Therefore, this variant is classified as pathogenic according to the recommendation of ACMG/AMP guideline.